The following is an entry in ClinVar:

ClinVar aggregate classification (germline): Conflicting classifications of pathogenicity. Review status: criteria provided, conflicting classifications (1 of 4 stars). 3 submissions from 3 submitters: Uncertain significance (1); Likely benign (2). Last evaluated 2025-12-24.

Conditions:
ALG9 congenital disorder of glycosylation (CDG1L). Also called: CDG Il; CONGENITAL DISORDER OF GLYCOSYLATION, TYPE Il; ALG9-CDG. Identifiers: Orphanet 79328, MedGen C2931006, MONDO:0012117, OMIM 608776.

Allele frequency attached by ClinVar (database versions not stated): gnomAD exomes 0.00009 and 0.00021; 1000 Genomes Project 30x 0.00016; 1000 Genomes Project 0.00020; ExAC 0.00025; gnomAD 0.00043 and 0.00045; TOPMed 0.00054; ESP Exome Variant Server 0.00100.

Submissions (3):

Labcorp Genetics (formerly Invitae), Labcorp
Classification: Likely benign for ALG9 congenital disorder of glycosylation. Last evaluated: 2025-12-24. Review status: criteria provided, single submitter. Criteria: Invitae Variant Classification Sherloc (09022015). Collection method: clinical testing. Allele origin: germline.

GeneDx
Classification: Uncertain significance. Last evaluated: 2025-06-05. Review status: criteria provided, single submitter. Criteria: GeneDx Variant Classification Process June 2021. Collection method: clinical testing. Allele origin: germline. Affected: yes.
Comment: In silico analysis supports that this missense variant has a deleterious effect on protein structure/function; Has not been previously published as pathogenic or benign to our knowledge

Athena Diagnostics
Classification: Likely benign. Last evaluated: 2017-02-16. Review status: criteria provided, single submitter. Criteria: Athena Diagnostics Criteria. Collection method: clinical testing. Allele origin: germline.

NM_012463.4(ATP6V0A2):c.2384C>T (p.Ala795Val)

Gene: ATP6V0A2 (ATPase H+ transporting V0 subunit a2; plus strand). Cytogenetic location: 12q24.31.
Variant type: single nucleotide variant.
Coding change: c.2384C>T on transcript NM_012463.4 (MANE Select); coding-DNA position 2384, C replaced by T.
Protein change: p.Ala795Val; replaces alanine 795 with valine.
Molecular consequence: missense variant.
Genome position (GRCh38, 1-based): chr12:123,756,905, C>T. VCF-style: chr12-123756905-C-T. GRCh37 (hg19) VCF-style: chr12-124241452-C-T.
Other names: short protein forms A795V.
Identifiers: ClinVar variation 446885 (VCV000446885.14), dbSNP rs139509075, ClinGen allele CA6862234.